The following is an entry in ClinVar:

ClinVar aggregate classification (germline): Conflicting classifications of pathogenicity. Review status: criteria provided, conflicting classifications (1 of 4 stars). 4 submissions from 4 submitters: Uncertain significance (1); Benign (2); Likely benign (1). Last evaluated 2025-12-10.

Conditions:
Holoprosencephaly 9 (HPE9). Also called: HOLOPROSENCEPHALY WITH MICROPHTHALMIA AND FIRST BRANCHIAL ARCH ANOMALIES; PITUITARY ANOMALIES WITH HOLOPROSENCEPHALY-LIKE FEATURES. Identifiers: Orphanet 2162, MedGen C1835819, MONDO:0012563, OMIM 610829.
Postaxial polydactyly-anterior pituitary anomalies-facial dysmorphism syndrome. Also called: Culler-Jones syndrome. Identifiers: Orphanet 420584, MedGen C4014479, MONDO:0014369, OMIM 615849.

Allele frequency attached by ClinVar (database versions not stated): ExAC 0.00015; ESP Exome Variant Server 0.00031; TOPMed 0.00045; 1000 Genomes Project 0.00060; 1000 Genomes Project 30x 0.00062; gnomAD 0.00073.
gnomAD v4.1: 180 of 1,613,746 alleles (0.011%); highest among the groups gnomAD compares: African/African-American, 0.17%; no homozygotes.

Submissions (4):

Labcorp Genetics (formerly Invitae), Labcorp
Classification: Benign for Postaxial polydactyly-anterior pituitary anomalies-facial dysmorphism syndrome; Holoprosencephaly 9. Last evaluated: 2025-12-10. Review status: criteria provided, single submitter. Criteria: Invitae Variant Classification Sherloc (09022015). Collection method: clinical testing. Allele origin: germline.

Blueprint Genetics
Classification: Likely benign. Last evaluated: 2024-01-08. Review status: criteria provided, single submitter. Criteria: ACMG Guidelines, 2015. Collection method: clinical testing. Allele origin: germline.

Illumina Laboratory Services, Illumina
Classification: Benign for Holoprosencephaly 9. Last evaluated: 2017-05-16. Review status: criteria provided, single submitter. Criteria: ICSL Variant Classification Criteria 13 December 2019. Collection method: clinical testing. Allele origin: germline.
Comment: This variant was observed as part of a predisposition screen in an ostensibly healthy population. A literature search was performed for the gene, cDNA change, and amino acid change (where applicable). No publications were found based on this search. Allele frequency data from public databases was too high to be consistent with this variant causing disease. Therefore, this variant is classified as benign.

Eurofins Ntd Llc (ga)
Classification: Uncertain significance. Last evaluated: 2016-11-15. Review status: criteria provided, single submitter. Criteria: EGL Classification Definitions 2015. Collection method: clinical testing. Allele origin: germline. Observed: 1 variant allele, 1 heterozygote.

NM_001374353.1(GLI2):c.1080G>A (p.Ser360=)

Gene: GLI2 (GLI family zinc finger 2; plus strand). Cytogenetic location: 2q14.2.
Variant type: single nucleotide variant.
Coding change: c.1080G>A on transcript NM_001374353.1 (MANE Select); coding-DNA position 1080, G replaced by A.
Protein change: p.Ser360=; no amino-acid change (serine 360 retained).
Molecular consequence: synonymous variant.
Genome position (GRCh38, 1-based): chr2:120,971,961, G>A. VCF-style: chr2-120971961-G-A. GRCh37 (hg19) VCF-style: chr2-121729537-G-A.
Other names: c.1080G>A, p.Ser360= (NM_001371271.1, NM_005270.5); c.705G>A, p.Ser235= (NM_001374354.1).
Identifiers: ClinVar variation 498082 (VCV000498082.18), dbSNP rs149110951, ClinGen allele CA1851770.